The following is an entry in ClinVar:

ClinVar aggregate classification (germline): Conflicting classifications of pathogenicity. Review status: criteria provided, conflicting classifications (1 of 4 stars). 4 submissions from 4 submitters: Uncertain significance (1); Likely benign (3). Last evaluated 2025-10-17.

Conditions:
SLC24A1-related disorder. Also called: SLC24A1-related condition.
Congenital stationary night blindness 1D. Also called: Night blindness, congenital stationary (complete), 1D, autosomal recessive. Identifiers: Orphanet 215, MedGen C3151193, MONDO:0013450, OMIM 613830.

Allele frequency attached by ClinVar (database versions not stated): gnomAD exomes 0.00011 and 0.00020; TOPMed 0.00011; gnomAD 0.00014 and 0.00017; ExAC 0.00016; 1000 Genomes Project 0.00020; ESP Exome Variant Server 0.00024; 1000 Genomes Project 30x 0.00031.
gnomAD v4.1: 184 of 1,613,682 alleles (0.011%); highest among the groups gnomAD compares: South Asian, 0.037%; no homozygotes.

Submissions (4):

PreventionGenetics, part of Exact Sciences
Classification: Likely benign for SLC24A1-related condition. Last evaluated: 2025-10-17. Review status: criteria provided, single submitter. Criteria: ACMG Guidelines, 2015. Collection method: clinical testing. Allele origin: germline.
Comment: This variant is classified as likely benign based on ACMG/AMP sequence variant interpretation guidelines (Richards et al. 2015 PMID: 25741868, with internal and published modifications).

Blueprint Genetics
Classification: Likely benign. Last evaluated: 2024-10-07. Review status: criteria provided, single submitter. Criteria: ACMG Guidelines, 2015. Collection method: clinical testing. Allele origin: germline.

Labcorp Genetics (formerly Invitae), Labcorp
Classification: Likely benign. Last evaluated: 2024-08-29. Review status: criteria provided, single submitter. Criteria: Invitae Variant Classification Sherloc (09022015). Collection method: clinical testing. Allele origin: germline.

Illumina Laboratory Services, Illumina
Classification: Uncertain significance for Congenital stationary night blindness 1D. Last evaluated: 2018-01-13. Review status: criteria provided, single submitter. Criteria: ICSL Variant Classification Criteria 13 December 2019. Collection method: clinical testing. Allele origin: germline.

NM_004727.3(SLC24A1):c.309A>G (p.Thr103=)

Gene: SLC24A1 (solute carrier family 24 member 1; plus strand). Cytogenetic location: 15q22.31.
Variant type: single nucleotide variant.
Coding change: c.309A>G on transcript NM_004727.3 (MANE Select); coding-DNA position 309, A replaced by G.
Protein change: p.Thr103=; no amino-acid change (threonine 103 retained).
Molecular consequence: synonymous variant.
Genome position (GRCh38, 1-based): chr15:65,624,389, A>G. VCF-style: chr15-65624389-A-G. GRCh37 (hg19) VCF-style: chr15-65916727-A-G.
Other names: c.309A>G, p.Thr103= (NM_001301031.1, NM_001301032.1, NM_001301033.2).
Identifiers: ClinVar variation 884502 (VCV000884502.13), dbSNP rs375495390, ClinGen allele CA7619733.